The following is an entry in ClinVar:

ClinVar aggregate classification (germline): Uncertain significance (1 of 4 stars; one submission).

Allele frequency attached by ClinVar (database versions not stated): gnomAD exomes below 0.00001.
gnomAD v4.1: 2 of 1,614,212 alleles (0.00012%); highest among the groups gnomAD compares: Non-Finnish European, 0.00017%; no homozygotes.

Submission:

Labcorp Genetics (formerly Invitae), Labcorp
Classification: Uncertain significance. Last evaluated: 2022-10-01. Review status: criteria provided, single submitter. Criteria: Invitae Variant Classification Sherloc (09022015). Collection method: clinical testing. Allele origin: germline.
Comment: This sequence change replaces threonine, which is neutral and polar, with alanine, which is neutral and non-polar, at codon 209 of the EIF2B5 protein (p.Thr209Ala). This variant is not present in population databases (gnomAD no frequency). This variant has not been reported in the literature in individuals affected with EIF2B5-related conditions. Advanced modeling of protein sequence and biophysical properties (such as structural, functional, and spatial information, amino acid conservation, physicochemical variation, residue mobility, and thermodynamic stability) has been performed at Invitae for this missense variant, however the output from this modeling did not meet the statistical confidence thresholds required to predict the impact of this variant on EIF2B5 protein function. In summary, the available evidence is currently insufficient to determine the role of this variant in disease. Therefore, it has been classified as a Variant of Uncertain Significance.

NM_003907.3(EIF2B5):c.625A>G (p.Thr209Ala)

Gene: EIF2B5 (eukaryotic translation initiation factor 2B subunit epsilon; plus strand). Cytogenetic location: 3q27.1.
Variant type: single nucleotide variant.
Coding change: c.625A>G on transcript NM_003907.3 (MANE Select); coding-DNA position 625, A replaced by G.
Protein change: p.Thr209Ala; replaces threonine 209 with alanine.
Molecular consequence: missense variant.
Genome position (GRCh38, 1-based): chr3:184,138,016, A>G. VCF-style: chr3-184138016-A-G. GRCh37 (hg19) VCF-style: chr3-183855804-A-G.
Other names: short protein forms T209A.
Identifiers: ClinVar variation 1949542 (VCV001949542.2), dbSNP rs2473661655, ClinGen allele CA355382374.